The following is an entry in ClinVar:

ClinVar aggregate classification (germline): Uncertain significance (1 of 4 stars; one submission).

Conditions:
LAMA2-related muscular dystrophy (LAMA2-RD). Also called: Laminin alpha 2-related dystrophy. Identifiers: MedGen C5679788, MONDO:0100228.

Submission:

Labcorp Genetics (formerly Invitae), Labcorp
Classification: Uncertain significance for LAMA2-related muscular dystrophy. Last evaluated: 2021-12-02. Review status: criteria provided, single submitter. Criteria: Invitae Variant Classification Sherloc (09022015). Collection method: clinical testing. Allele origin: germline.
Comment: This sequence change replaces alanine, which is neutral and non-polar, with valine, which is neutral and non-polar, at codon 2247 of the LAMA2 protein (p.Ala2247Val). This variant is not present in population databases (gnomAD no frequency). This variant has not been reported in the literature in individuals affected with LAMA2-related conditions. Advanced modeling of protein sequence and biophysical properties (such as structural, functional, and spatial information, amino acid conservation, physicochemical variation, residue mobility, and thermodynamic stability) performed at Invitae indicates that this missense variant is not expected to disrupt LAMA2 protein function. In summary, the available evidence is currently insufficient to determine the role of this variant in disease. Therefore, it has been classified as a Variant of Uncertain Significance.

NM_000426.4(LAMA2):c.6740C>T (p.Ala2247Val)

Gene: LAMA2 (laminin subunit alpha 2; plus strand). Cytogenetic location: 6q22.33.
Variant type: single nucleotide variant.
Coding change: c.6740C>T on transcript NM_000426.4 (MANE Select); coding-DNA position 6740, C replaced by T.
Protein change: p.Ala2247Val; replaces alanine 2247 with valine.
Molecular consequence: missense variant.
Genome position (GRCh38, 1-based): chr6:129,456,367, C>T. VCF-style: chr6-129456367-C-T. GRCh37 (hg19) VCF-style: chr6-129777512-C-T.
Other names: c.6740C>T, p.Ala2247Val (NM_001079823.2); short protein forms A2247V.
Identifiers: ClinVar variation 1466424 (VCV001466424.8), dbSNP rs763259978, ClinGen allele CA365618125.